The following is an entry in ClinVar:

NM_000059.4(BRCA2):c.7806-10A>T

Gene: BRCA2 (BRCA2 DNA repair associated; plus strand). Cytogenetic location: 13q13.1.
Variant type: single nucleotide variant.
Coding change: c.7806-10A>T on transcript NM_000059.4 (MANE Select); 10 bases into the intron before coding-DNA position 7806, A replaced by T.
Molecular consequence: intron variant.
Genome position (GRCh38, 1-based): chr13:32,362,513, A>T. VCF-style: chr13-32362513-A-T. GRCh37 (hg19) VCF-style: chr13-32936650-A-T.
Identifiers: ClinVar variation 462454 (VCV000462454.14), dbSNP rs1555286809, ClinGen allele CA658656466.
Genomic context (GRCh38, chr13:32,362,513, plus strand): 5'-AGTTGTAGTTGTTGAATTCAGTATCATCCTATGTGGTTTTTATGATAATATTCTACTTTT[A>T]TTTGTTCAGGGCTCTGTGTGACACTCCAGGTGTGGATCCAAAGCTTATTTCTAGAATTTG-3'

ClinVar aggregate classification (germline): Likely benign. Review status: criteria provided, multiple submitters, no conflicts (2 of 4 stars). 3 submissions from 3 submitters: Likely benign (3). Last evaluated 2026-01-14.

Conditions:
Hereditary breast ovarian cancer syndrome. Also called: Hereditary breast and ovarian cancer syndrome (HBOC); Hereditary breast and ovarian cancer syndrome; Breast and ovarian cancer; Hereditary breast and/or ovarian cancer syndrome; Hereditary breast and ovarian cancer; BRCA1- and BRCA2-Associated Hereditary Breast and Ovarian Cancer. Identifiers: Orphanet 145, MedGen C0677776, MeSH D061325, MONDO:0003582. Disease mechanism: loss of function.
Hereditary cancer-predisposing syndrome. Also called: Neoplastic Syndromes, Hereditary; Hereditary Cancer Syndrome; Hereditary neoplastic syndrome; Tumor predisposition. Identifiers: Orphanet 140162, MedGen C0027672, MeSH D009386, MONDO:0015356.

Allele frequency attached by ClinVar (database versions not stated): gnomAD exomes below 0.00001.
gnomAD v4.1: 3 of 1,612,500 alleles (0.00019%); highest among the groups gnomAD compares: East Asian, 0.0045%; no homozygotes.

Submissions (3):

Labcorp Genetics (formerly Invitae), Labcorp
Classification: Likely benign for Hereditary breast ovarian cancer syndrome. Last evaluated: 2026-01-14. Review status: criteria provided, single submitter. Criteria: Invitae Variant Classification Sherloc (09022015). Collection method: clinical testing. Allele origin: germline.

Women's Health and Genetics/Laboratory Corporation of America, LabCorp
Classification: Likely benign. Last evaluated: 2019-09-26. Review status: criteria provided, single submitter. Criteria: LabCorp Variant Classification Summary - May 2015. Collection method: clinical testing. Allele origin: germline.
Comment: Variant summary: BRCA2 c.7806-10A>T alters a non-conserved nucleotide located close to a canonical splice site and therefore could affect mRNA splicing, leading to a significantly altered protein sequence. 5/5 computational tools predict no significant impact on normal splicing. However, these predictions have yet to be confirmed by functional studies. The variant was absent in 250706 control chromosomes (gnomAD). The available data on variant occurrences in the general population are insufficient to allow any conclusion about variant significance. To our knowledge, no occurrence of c.7806-10A>T in individuals affected with Hereditary Breast and Ovarian Cancer and no experimental evidence demonstrating its impact on protein function have been reported. Two ClinVar submissions (evaluation after 2014) cite the variant as likely benign. Based on the evidence outlined above, the variant was classified as likely benign.

Color Diagnostics, LLC DBA Color Health
Classification: Likely benign for Hereditary cancer-predisposing syndrome. Last evaluated: 2018-03-24. Review status: criteria provided, single submitter. Criteria: ACMG Guidelines, 2015. Collection method: clinical testing. Allele origin: germline.